The following is an entry in ClinVar:

ClinVar aggregate classification (germline): Conflicting classifications of pathogenicity. Review status: criteria provided, conflicting classifications (1 of 4 stars). 6 submissions from 6 submitters: Uncertain significance (1); Benign (2); Likely benign (2). 1 of the submissions does not count toward it. Last evaluated 2026-01-24.

Conditions:
Deficiency of butyrylcholinesterase (BCHED). Also called: Butyrylcholinesterase deficiency; BCHE, silent 1; Deficiency of butyrylcholine esterase; Acholinesterasemia. Identifiers: Orphanet 132, MedGen C1283400, MONDO:0015270, OMIM 617936.

Allele frequency attached by ClinVar (database versions not stated): gnomAD exomes 0.01445 and 0.01471; ExAC 0.01573; 1000 Genomes Project 30x 0.02171; 1000 Genomes Project 0.02276; gnomAD 0.02289 and 0.02374; TOPMed 0.02549; ESP Exome Variant Server 0.02753.
gnomAD v4.1: 24,760 of 1,613,926 alleles (1.5%); highest among the groups gnomAD compares: African/African-American, 5.9%; 330 homozygotes.

Submissions (6):

Labcorp Genetics (formerly Invitae), Labcorp
Classification: Benign. Last evaluated: 2026-01-24. Review status: criteria provided, single submitter. Criteria: Invitae Variant Classification Sherloc (09022015). Collection method: clinical testing. Allele origin: germline.

Genomic Medicine Center of Excellence, King Faisal Specialist Hospital and Research Centre
Classification: Likely benign for Deficiency of butyrylcholinesterase. Last evaluated: 2025-07-30. Review status: criteria provided, single submitter. Criteria: ACMG Guidelines, 2015. Collection method: clinical testing. Allele origin: germline.

Women's Health and Genetics/Laboratory Corporation of America, LabCorp
Classification: Benign. Last evaluated: 2022-02-22. Review status: criteria provided, single submitter. Criteria: LabCorp Variant Classification Summary - May 2015. Collection method: clinical testing. Allele origin: germline.
Comment: Variant summary: BCHE c.849G>C (p.Glu283Asp) results in a conservative amino acid change located in the Carboxylesterase, type B domain (IPR002018) of the encoded protein sequence. Five of five in-silico tools predict a benign effect of the variant on protein function. The variant allele was found at a frequency of 0.015 in 250568 control chromosomes, predominantly at a frequency of 0.059 within the African or African-American subpopulation in the gnomAD database, including 18 homozygotes. The observed variant frequency within African or African-American control individuals in the gnomAD database is approximately 3.7 fold of the estimated maximal expected allele frequency for a pathogenic variant in BCHE causing Deficiency Of Butyrylcholine Esterase phenotype (0.016), strongly suggesting that the variant is a benign polymorphism found primarily in populations of African or African-American origin. c.849G>C has been reported in the literature but these report(s) do not provide unequivocal conclusions about association of the variant with Deficiency Of Butyrylcholine Esterase (example, Jasiecki_2016). To our knowledge, no experimental evidence demonstrating an impact on protein function has been reported. Two clinical diagnostic laboratories have submitted clinical-significance assessments for this variant to ClinVar after 2014 without evidence for independent evaluation. One laboratory classified the variant as benign and one laboratory classified the variant as uncertain significance. Based on the evidence outlined above, the variant was classified as benign.

Illumina Laboratory Services, Illumina
Classification: Uncertain significance for Deficiency of butyrylcholinesterase. Last evaluated: 2017-04-27. Review status: criteria provided, single submitter. Criteria: ICSL Variant Classification Criteria 13 December 2019. Collection method: clinical testing. Allele origin: germline.
Comment: This variant was observed as part of a predisposition screen in an ostensibly healthy population. A literature search was performed for the gene, cDNA change, and amino acid change (where applicable). Publications were found based on this search. However, the evidence from the literature, in combination with allele frequency data from public databases where available, was not sufficient to rule this variant in or out of causing disease. Therefore, this variant is classified as a variant of unknown significance.

PreventionGenetics, part of Exact Sciences
Classification: Likely benign. Review status: criteria provided, single submitter. Criteria: ACMG Guidelines, 2015. Collection method: clinical testing. Allele origin: germline.

Counsyl
Classification: Benign for Deficiency of butyrylcholinesterase. Last evaluated: 2017-04-05. Review status: no assertion criteria provided. Collection method: clinical testing. Allele origin: unknown. Not counted in ClinVar's aggregate classification.

Literature cited by the submitters: PubMed 27109752 (cited by Women's Health and Genetics/Laboratory Corporation of America, LabCorp); PubMed 18300943 (cited by Women's Health and Genetics/Laboratory Corporation of America, LabCorp and Illumina Laboratory Services, Illumina); PubMed 21228368 (cited by Women's Health and Genetics/Laboratory Corporation of America, LabCorp).

NM_000055.4(BCHE):c.849G>C (p.Glu283Asp)

Gene: BCHE (butyrylcholinesterase; minus strand). Cytogenetic location: 3q26.1.
Variant type: single nucleotide variant.
Coding change: c.849G>C on transcript NM_000055.4 (MANE Select); coding-DNA position 849, G replaced by C.
Protein change: p.Glu283Asp; replaces glutamic acid 283 with aspartic acid.
Molecular consequence: missense variant. On other transcripts: non-coding transcript variant (1).
Genome position (GRCh38, 1-based): chr3:165,830,185, C>G on the plus strand (G>C on the coding strand, the complement: BCHE is on the minus strand). VCF-style: chr3-165830185-C-G. GRCh37 (hg19) VCF-style: chr3-165547973-C-G.
Other names: short protein forms E283D.
Identifiers: ClinVar variation 254777 (VCV000254777.11), dbSNP rs16849700, ClinGen allele CA2692418.